The following is an entry in ClinVar:

ClinVar aggregate classification (germline): Uncertain significance (1 of 4 stars; one submission).

Conditions:
Inborn genetic diseases. Identifiers: MedGen C0950123, MeSH D030342.

Submission:

Ambry Genetics
Classification: Uncertain significance for Inborn genetic diseases. Last evaluated: 2026-09-09. Review status: criteria provided, single submitter. Criteria: Ambry Variant Classification Scheme 2023. Collection method: clinical testing. Allele origin: germline.
Comment: The p.S303I variant (also known as c.908G>T), located in coding exon 11 of the FANCA gene, results from a G to T substitution at nucleotide position 908. The serine at codon 303 is replaced by isoleucine, an amino acid with dissimilar properties. This amino acid position is conserved. In addition, this alteration is predicted to be tolerated by in silico analysis. Based on the available evidence, the clinical significance of this variant remains unclear.

NM_000135.4(FANCA):c.908G>T (p.Ser303Ile)

Gene: FANCA (FA complementation group A; minus strand). Cytogenetic location: 16q24.3.
Variant type: single nucleotide variant.
Coding change: c.908G>T on transcript NM_000135.4 (MANE Select); coding-DNA position 908, G replaced by T.
Protein change: p.Ser303Ile; replaces serine 303 with isoleucine.
Molecular consequence: missense variant.
Genome position (GRCh38, 1-based): chr16:89,796,004, C>A on the plus strand (G>T on the coding strand, the complement: FANCA is on the minus strand). VCF-style: chr16-89796004-C-A. GRCh37 (hg19) VCF-style: chr16-89862412-C-A.
Other names: c.908G>T, p.Ser303Ile (NM_001286167.3); short protein forms S303I.
Identifiers: ClinVar variation 5036452 (VCV005036452.1).